The following is an entry in ClinVar:

NM_014159.7(SETD2):c.7438_7450del (p.Gln2480fs)

Gene: SETD2 (SET domain containing 2, histone lysine methyltransferase; minus strand). Cytogenetic location: 3p21.31.
Variant type: Deletion.
Coding change: c.7438_7450del on transcript NM_014159.7 (MANE Select); coding-DNA positions 7438 to 7450, 13 bases deleted (CAGTTCATCGTCC).
Protein change: p.Gln2480fs; shifts the reading frame from glutamine 2480.
Molecular consequence: frameshift variant. On other transcripts: non-coding transcript variant (1).
Genome position (GRCh38, 1-based): chr3:47,017,721-47,017,733, GGACGATGAACTG deleted on the plus strand (CAGTTCATCGTCC on the coding strand, the reverse complement: SETD2 is on the minus strand); deleting any 13 consecutive bases within chr3:47,017,721-47,017,737 gives the same sequence; the c. name uses the placement nearest the transcript's 3' end. VCF-style (leftmost placement, unchanged base first): chr3-47017720-TGGACGATGAACTG-T. GRCh37 (hg19) VCF-style: chr3-47059210-TGGACGATGAACTG-T.
Other names: c.7306_7318del, p.Gln2436fs (NM_001349370.3); short protein forms Q2436fs, Q2480fs.
Identifiers: ClinVar variation 4530257 (VCV004530257.1).

ClinVar aggregate classification (somatic clinical impact): Tier II - Potential (1 of 4 stars; one submission).

Conditions:
Acute myeloid leukemia (AML). Also called: Acute myeloid leukemia, adult; AML adult; Acute non-lymphocytic leukemia; Acute granulocytic leukemia; Leukemia, acute myeloid, somatic; Leukemia, acute myelogenous, somatic. Identifiers: Orphanet 519, MedGen C0023467, MeSH D015470, MONDO:0018874, OMIM 601626, HP:0004808. Disease mechanism: Constitutively activated FLT3.

Submission:

Institute for Genomic Medicine (IGM) Clinical Laboratory, Nationwide Children's Hospital
Classification: Tier II - Potential for Acute myeloid leukemia. Assertion type: diagnostic. Clinical significance: supports diagnosis. Last evaluated: 2023-05-04. Review status: criteria provided, single submitter. Criteria: AMP/ASCO/CAP Guidelines, 2017. Collection method: clinical testing. Allele origin: somatic. Affected: yes.
Comment: Variant has Tier II (potential) clinical significance as a diagnostic inclusion criterion in acute myeloid leukemia, based on the following evidence: 1) Diagnostic significance based on multiple small studies (Evidence Level C; PMIDs: 27359055, 24509477, 37038274).

Literature cited by the submitters: PubMed 27359055; PubMed 24509477; PubMed 37038274.